The following is an entry in ClinVar:

NM_015443.4(KANSL1):c.3259C>G (p.Pro1087Ala)

Gene: KANSL1 (KAT8 regulatory NSL complex subunit 1). Cytogenetic location: 17q21.31.
Variant type: single nucleotide variant.
Coding change: c.3259C>G on transcript NM_015443.4 (MANE Select); coding-DNA position 3259, C replaced by G.
Protein change: p.Pro1087Ala; replaces proline 1087 with alanine.
Molecular consequence: missense variant.
Genome position (GRCh38, 1-based): chr17:46,031,535, G>C on the plus strand (C>G on the coding strand, the complement: KANSL1 is on the minus strand). VCF-style: chr17-46031535-G-C. GRCh37 (hg19) VCF-style: chr17-44108901-G-C.
Other names: c.3256C>G, p.Pro1086Ala (NM_001193465.2, NM_001405856.1, NM_001405857.1 and 1 more transcripts); c.3259C>G, p.Pro1087Ala (NM_001193466.2, NM_001379198.1, NM_001405854.1 and 1 more transcripts); c.3157C>G, p.Pro1053Ala (NM_001405859.1, NM_001405860.1); c.3154C>G, p.Pro1052Ala (NM_001405861.1); c.3127C>G, p.Pro1043Ala (NM_001405872.1, NM_001405873.1, NM_001405874.1); c.3070C>G, p.Pro1024Ala (NM_001405875.1, NM_001405876.1, NM_001405877.1 and 1 more transcripts); c.3067C>G, p.Pro1023Ala (NM_001405879.1, NM_001405880.1); c.3022C>G, p.Pro1008Ala (NM_001405881.1); and 4 more; short protein forms P1024A, P1043A, P665A, P1086A, P601A, P602A, P1023A, P1008A.
Identifiers: ClinVar variation 2700860 (VCV002700860.3), dbSNP rs1353327053, ClinGen allele CA399985661.

ClinVar aggregate classification (germline): Uncertain significance (1 of 4 stars; one submission).

Conditions:
Koolen-de Vries syndrome (KDVS). Identifiers: Orphanet 96169, MedGen C1864871, MONDO:0012496, OMIM 610443.

Allele frequency attached by ClinVar (database versions not stated): TOPMed below 0.00001.

Submission:

Labcorp Genetics (formerly Invitae), Labcorp
Classification: Uncertain significance for Koolen-de Vries syndrome. Last evaluated: 2025-12-16. Review status: criteria provided, single submitter. Criteria: Invitae Variant Classification Sherloc (09022015). Collection method: clinical testing. Allele origin: germline.
Comment: This sequence change replaces proline, which is neutral and non-polar, with alanine, which is neutral and non-polar, at codon 1087 of the KANSL1 protein (p.Pro1087Ala). This variant is not present in population databases (gnomAD no frequency). This variant has not been reported in the literature in individuals affected with KANSL1-related conditions. ClinVar contains an entry for this variant (Variation ID: 2700860). An algorithm developed to predict the effect of missense changes on protein structure and function outputs the following: PolyPhen-2: "Benign". The alanine amino acid residue is found in multiple mammalian species, which suggests that this missense change does not adversely affect protein function. In summary, the available evidence is currently insufficient to determine the role of this variant in disease. Therefore, it has been classified as a Variant of Uncertain Significance.